The following is an entry in ClinVar:

ClinVar aggregate classification (germline): Pathogenic/Likely pathogenic. Review status: criteria provided, multiple submitters, no conflicts (2 of 4 stars). 7 submissions from 7 submitters: Pathogenic (6); Likely pathogenic (1). Last evaluated 2026-02-05.

Conditions:
Inborn genetic diseases. Identifiers: MedGen C0950123, MeSH D030342.
CBL-related disorder. Also called: NOONAN SYNDROME-LIKE DISORDER WITHOUT JUVENILE MYELOMONOCYTIC LEUKEMIA; CBL MUTATION-ASSOCIATED SYNDROME; CBL SYNDROME. Identifiers: Orphanet 363972, MedGen C3150803, MONDO:0013308, OMIM 613563.
Juvenile myelomonocytic leukemia (JMML). Also called: LEUKEMIA, JUVENILE MYELOMONOCYTIC, SOMATIC. Identifiers: Orphanet 86834, MedGen C0349639, MONDO:0011908, OMIM 607785, HP:0012209.
RASopathy. Also called: rasopathies; Noonan spectrum disorder. Identifiers: Orphanet 536391, MedGen C5555857, MONDO:0021060.
Noonan syndrome (NS). Also called: Noonan's syndrome. Identifiers: Orphanet 648, MedGen C0028326, MeSH D009634, MONDO:0018997. Disease mechanism: gain of function.
Noonan syndrome-like disorder with juvenile myelomonocytic leukemia. Identifiers: MedGen C4016301.

Submissions (9):

GeneDx
Classification: Pathogenic. Last evaluated: 2026-02-05. Review status: criteria provided, single submitter. Criteria: GeneDx Variant Classification Process June 2021. Collection method: clinical testing. Allele origin: germline.
Comment: Observed as a germline variant in patients with juvenile myelomonocytic leukemia and/or CBL-related Noonan syndrome-like disorder in published literature, including an apparently de novo observation (PMID: 31935506, 20694012); RNA studies demonstrate a that the variant results in several aberrant splice isoforms including partial or full loss of exon 8 as well as inclusion of intron 7 (PMID: 20694012); Canonical splice site variant in a gene or region of a gene for which loss of function is not a well-established mechanism of disease; Not observed at significant frequency in large population cohorts (gnomAD); This variant is associated with the following publications: (PMID: 28589114, 25525159, 26152360, 22266821, 20619386, 25952305, 19571318, 20543203, 23823657, 25358541, 24523240, 32978145, 20694012, 31275557, 41189001, 38633130, 39123476, 22315494, 31935506)

Variantyx, Inc.
Classification: Pathogenic for CBL-related disorder. Last evaluated: 2025-07-04. Review status: criteria provided, single submitter. Criteria: Variantyx Assertion Criteria 2022. Collection method: clinical testing. Allele origin: de novo. Inheritance: Autosomal dominant inheritance. Affected: yes.
Comment: This is a canonical splicing variant in the CBL gene (OMIM: 165360). Pathogenic variants in this gene have been associated with autosomal dominant Noonan syndrome-like disorder, with or without juvenile myelomonocytic leukemia. This variant has been reported in at least two affected individuals (PMID: 31935506, 20694012) (PS4) , while it is absent from control populations (PM2), and functional studies have shown that this variant alters CBL protein function (PMID: 25952305) (PS3). Moreover, an alternate change at the same splice site (c.1096-1G>T NM_005188.4) has been previously reported as pathogenic (PMID: 25952305) (PS1). . Based on the current evidence, this variant is classified as pathogenic for autosomal dominant Noonan syndrome-like disorder, with or without juvenile myelomonocytic leukemia.

Labcorp Genetics (formerly Invitae), Labcorp
Classification: Pathogenic for RASopathy. Last evaluated: 2025-03-17. Review status: criteria provided, single submitter. Criteria: Invitae Variant Classification Sherloc (09022015). Collection method: clinical testing. Allele origin: germline.
Comment: This sequence change affects an acceptor splice site in intron 7 of the CBL gene. RNA analysis indicates that disruption of this splice site induces altered splicing and likely results in a shortened protein product. This variant is not present in population databases (gnomAD no frequency). Disruption of this splice site has been observed in individual(s) with CBL-related conditions (PMID: 25358541; internal data). In at least one individual the variant was observed to be de novo. ClinVar contains an entry for this variant (Variation ID: 45196). Studies have shown that disruption of this splice site results in skipping of exon 8, but is expected to preserve the integrity of the reading-frame (PMID: 25952305). For these reasons, this variant has been classified as Pathogenic.

Fulgent Genetics
Classification: Likely pathogenic for Juvenile myelomonocytic leukemia; CBL-related disorder. Last evaluated: 2021-08-12. Review status: criteria provided, single submitter. Criteria: ACMG Guidelines, 2015. Collection method: clinical testing. Allele origin: unknown.

Illumina Laboratory Services, Illumina
Classification: Pathogenic for Noonan syndrome-like disorder with juvenile myelomonocytic leukemia. Last evaluated: 2020-05-18. Review status: criteria provided, single submitter. Criteria: ICSLVariantClassificationCriteria RUGD 01 April 2020. Collection method: clinical testing. Allele origin: unknown.
Comment: The CBL c.1096-1G>C variant occurs in a canonical splice site (acceptor) and is therefore predicted to disrupt or distort the normal gene product. This variant has been reported in a heterozygous state in one child with juvenile myelomonocytic leukemia who also presented with cafÃ©-au-lait spots, juvenile xanthogranuloma, cryptorchidism, poor growth, developmental delay, and supraventricular tachycardia (Niemeyer et al. 2010). In addition, evaluation of non-germline cells in this child and two additional individuals showed the c.1096-1G>C variant present in a either a homozygous or heterozygous state (Loh et al. 2009; Niemeyer et al. 2010; Strullu et al. 2013). The c.1096-1G>C variant is located in intron 7. RT-PCR showed the presence of in-frame protein products lacking exon 8, which encompasses the functionally important RING finger domain (Abbas et al. 2008; Niemeyer et al. 2010). Additional splice site variants at the same genomic position with different base changes have also been described in individuals with RASopathy or Noonan-like phenotypes (Strullu et al. 2013; Bulow et al. 2015; Seaby et al. 2017). This variant is not found in the Genome Aggregation Database in a region of good sequence coverage. Based on the collective evidence, the c.1096-1G>C variant is classified as pathogenic for Noonan syndrome-like disorder with juvenile myelomonocytic leukemia.

Ambry Genetics
Classification: Pathogenic for Inborn genetic diseases. Last evaluated: 2017-01-26. Review status: criteria provided, single submitter. Criteria: Ambry exome assertion method (8-5-2015). Collection method: clinical testing. Allele origin: germline. Affected: yes. Observed: 1 variant allele.

Laboratory for Molecular Medicine, Mass General Brigham Personalized Medicine
Classification: Pathogenic for Noonan syndrome. Last evaluated: 2012-12-06. Review status: criteria provided, single submitter. Criteria: LMM Criteria. Collection method: clinical testing. Allele origin: germline. Observed: 1 variant allele.
Comment: The 1096-1G>C variant in CBL has been reported in one individual with clinical f eatures of Noonan syndrome and juvenile myelomonocytic leukemia (JMML; Loh 2009, Niemeyer 2010). This variant was reported to be homozygous in a blood sample an d heterozygous in the germline. Studies have shown that the 1096-1G>A variant i mpacts splicing (Niemeyer 2010). This finding supports that this variant is disease ca using and responsible for Noonan-like syndrome and juvenile myelomonocytic leuke mia in this individual. In summary, this variant meets our criteria to be classi fied as pathogenic.

Dr. Peter K. Rogan Lab, Western University
No classification provided (evidence only). Condition: Acute myeloid leukemia. Review status: no classification provided. Collection method: in vitro. Allele origin: not applicable. Functional consequence: retained intron. Not counted in ClinVar's aggregate classification.

MutSpliceDB: a database of splice sites variants effects on splicing, NIH
No classification provided (evidence only). Review status: no classification provided. Collection method: in vivo. Allele origin: not applicable. Functional consequence: retained intron. Not counted in ClinVar's aggregate classification.

Literature cited by the submitters: PubMed 25952305 (cited by Variantyx, Inc. and Labcorp Genetics (formerly Invitae), Labcorp); PubMed 31935506 (cited by Variantyx, Inc.); PubMed 20694012 (cited by 4 submitters); PubMed 25358541 (cited by Labcorp Genetics (formerly Invitae), Labcorp and Illumina Laboratory Services, Illumina); PubMed 18698078 (cited by Illumina Laboratory Services, Illumina); PubMed 19571318 (cited by Illumina Laboratory Services, Illumina and Laboratory for Molecular Medicine, Mass General Brigham Personalized Medicine); PubMed 23823657 (cited by Illumina Laboratory Services, Illumina); PubMed 28589114 (cited by Illumina Laboratory Services, Illumina).

NM_005188.4(CBL):c.1096-1G>C

Gene: CBL (Cbl proto-oncogene; plus strand). Cytogenetic location: 11q23.3.
Variant type: single nucleotide variant.
Coding change: c.1096-1G>C on transcript NM_005188.4 (MANE Select); the canonical splice acceptor site of the intron before coding-DNA position 1096, G replaced by C.
Molecular consequence: splice acceptor variant.
Genome position (GRCh38, 1-based): chr11:119,278,165, G>C. VCF-style: chr11-119278165-G-C. GRCh37 (hg19) VCF-style: chr11-119148875-G-C.
Other names: NM_005188.4:c.1096-1G>C.
Identifiers: ClinVar variation 45196 (VCV000045196.22), dbSNP rs397517076, ClinGen allele CA135696.
Genomic context (GRCh38, chr11:119,278,165, plus strand): 5'-TAACATTTATAATTGCAGTTATTTATTCAACTAATAGTCTTTTAATTTTTTTTAATCAAA[G>C]GAACAATATGAATTATACTGTGAGATGGGCTCCACATTCCAACTATGTAAAATATGTGCT-3'